The following is an entry in ClinVar:

ClinVar aggregate classification (germline): Uncertain significance. Review status: criteria provided, multiple submitters, no conflicts (2 of 4 stars). 2 submissions from 2 submitters: Uncertain significance (2). Last evaluated 2026-07-07.

Conditions:
Oligodontia-cancer predisposition syndrome. Also called: TOOTH AGENESIS-COLORECTAL CANCER SYNDROME. Identifiers: Orphanet 300576, MedGen C1837750, MONDO:0012075, OMIM 608615. Disease mechanism: loss of function.
Hereditary cancer-predisposing syndrome. Also called: Hereditary Cancer Syndrome; Hereditary neoplastic syndrome; Neoplastic Syndromes, Hereditary; Tumor predisposition. Identifiers: Orphanet 140162, MedGen C0027672, MeSH D009386, MONDO:0015356.

Submissions (2):

Ambry Genetics
Classification: Uncertain significance for Hereditary cancer-predisposing syndrome. Last evaluated: 2026-07-07. Review status: criteria provided, single submitter. Criteria: Ambry Variant Classification Scheme 2023. Collection method: clinical testing. Allele origin: germline.
Comment: The p.G501R variant (also known as c.1501G>C), located in coding exon 5 of the AXIN2 gene, results from a G to C substitution at nucleotide position 1501. The glycine at codon 501 is replaced by arginine, an amino acid with dissimilar properties. This amino acid position is conserved. In addition, this alteration is predicted to be tolerated by in silico analysis. Based on the available evidence, the clinical significance of this variant remains unclear.

Labcorp Genetics (formerly Invitae), Labcorp
Classification: Uncertain significance for Oligodontia-cancer predisposition syndrome. Last evaluated: 2023-11-08. Review status: criteria provided, single submitter. Criteria: Invitae Variant Classification Sherloc (09022015). Collection method: clinical testing. Allele origin: germline.
Comment: This sequence change replaces glycine, which is neutral and non-polar, with arginine, which is basic and polar, at codon 501 of the AXIN2 protein (p.Gly501Arg). This variant is not present in population databases (gnomAD no frequency). This variant has not been reported in the literature in individuals affected with AXIN2-related conditions. Algorithms developed to predict the effect of missense changes on protein structure and function output the following: SIFT: "Not Available"; PolyPhen-2: "Benign"; Align-GVGD: "Not Available". The arginine amino acid residue is found in multiple mammalian species, which suggests that this missense change does not adversely affect protein function. In summary, the available evidence is currently insufficient to determine the role of this variant in disease. Therefore, it has been classified as a Variant of Uncertain Significance.

NM_004655.4(AXIN2):c.1501G>C (p.Gly501Arg)

Gene: AXIN2 (axin 2; minus strand). Cytogenetic location: 17q24.1.
Variant type: single nucleotide variant.
Coding change: c.1501G>C on transcript NM_004655.4 (MANE Select); coding-DNA position 1501, G replaced by C.
Protein change: p.Gly501Arg; replaces glycine 501 with arginine.
Molecular consequence: missense variant.
Genome position (GRCh38, 1-based): chr17:65,537,535, C>G on the plus strand (G>C on the coding strand, the complement: AXIN2 is on the minus strand). VCF-style: chr17-65537535-C-G. GRCh37 (hg19) VCF-style: chr17-63533653-C-G.
Other names: c.1501G>C, p.Gly501Arg (NM_001363813.1); short protein forms G501R.
Identifiers: ClinVar variation 2823731 (VCV002823731.4), dbSNP rs1567755834, ClinGen allele CA400677384.
Genomic context (GRCh38, chr17:65,537,535, plus strand): 5'-GGTGGATGTAGTGGTGGTGGACATGCTTCGTCGTCTGCTTGGTCACAAAGCCTTTGCCCC[C>G]GAGGAGGGGGCAGGCGCCCGGCGAGGCGGCCGCGGGAGGCAGCTTGCCACCGGGCGGGAG-3'
Protein context (NP_004646.3, residues 491-511): AASPGACPLL[Gly501Arg]GKGFVTKQTT